The following is an entry in ClinVar:

ClinVar aggregate classification (germline): Uncertain significance. Review status: criteria provided, multiple submitters, no conflicts (2 of 4 stars). 3 submissions from 3 submitters: Uncertain significance (2). 1 of the submissions does not count toward it. Last evaluated 2026-09-17.

Conditions:
Thrombomodulin-related bleeding disorder (THPH12). Also called: Thrombophilia due to thrombomodulin defect. Identifiers: Orphanet 436169, MedGen C3280976, MONDO:0013775, OMIM 614486.
Atypical hemolytic-uremic syndrome. Identifiers: Orphanet 2134, MedGen C2931788, MONDO:0016244.

Allele frequency attached by ClinVar (database versions not stated): gnomAD exomes 0.00002 and 0.00004; TOPMed 0.00006; ExAC 0.00013.
gnomAD v4.1: 12 of 1,592,188 alleles (0.00075%); highest among the groups gnomAD compares: East Asian, 0.027%; no homozygotes.

Submissions (3):

Genomenon, Inc
Classification: Uncertain significance for Thrombomodulin-related bleeding disorder. Last evaluated: 2026-09-17. Review status: criteria provided, single submitter. Criteria: Genomenon Sequence Variant Interpretation Standards - Updated. Collection method: curation. Allele origin: germline. Affected: no.
Comment: THBD p.Asp126Tyr (c.376G>T) is a missense variant that changes the amino acid at codon 126 from aspartic acid to tyrosine. This variant has been reported in the published literature (PMID:40272857;24233386;39192370;23332921). It is absent or not present at a significant frequency in gnomAD. In silico models predict that this variant is not damaging. In conclusion, we classify THBD p.Asp126Tyr (c.376G>T) as a variant of uncertain significance.

Labcorp Genetics (formerly Invitae), Labcorp
Classification: Uncertain significance. Last evaluated: 2025-08-31. Review status: criteria provided, single submitter. Criteria: Invitae Variant Classification Sherloc (09022015). Collection method: clinical testing. Allele origin: germline.
Comment: This sequence change replaces aspartic acid, which is acidic and polar, with tyrosine, which is neutral and polar, at codon 126 of the THBD protein (p.Asp126Tyr). The frequency data for this variant in the population databases is considered unreliable, as metrics indicate poor data quality at this position in the gnomAD database. This missense change has been observed in individual(s) with thromboembolic events (PMID: 23332921, 35921923). ClinVar contains an entry for this variant (Variation ID: 988132). Invitae Evidence Modeling of protein sequence and biophysical properties (such as structural, functional, and spatial information, amino acid conservation, physicochemical variation, residue mobility, and thermodynamic stability) indicates that this missense variant is not expected to disrupt THBD protein function with a negative predictive value of 80%. Experimental studies have shown that this missense change affects THBD function (PMID: 35921923). In summary, the available evidence is currently insufficient to determine the role of this variant in disease. Therefore, it has been classified as a Variant of Uncertain Significance.

Sydney Genome Diagnostics, Children's Hospital Westmead
Classification: Uncertain significance for Atypical hemolytic-uremic syndrome. Last evaluated: 2019-09-13. Review status: no assertion criteria provided. Collection method: clinical testing. Allele origin: unknown. Affected: yes. Observed: 1 variant allele, 1 heterozygote. Not counted in ClinVar's aggregate classification.
Comment: To our knowledge, this variant has not been reported in any population databases (i.e. gnomAD, ExAC, ESP or dbSNP). This variant has also not been previously reported the literature or any disease specific databases, including the Database of complement gene variants, in relation to a complement dysregulopathy or C3 glomerulopathy phenotype. In silico analysis of pathogenicity (through Alamut Visual v2.8.1) using PolyPhen2, SIFT and MutationTaster all predict this variant to be a likely benign variant. However, this analysis alone cannot be used to exclude pathogenicity. This variant is considered to be a variant of uncertain clinical significance (VOUS) according to the ACMG guidelines (Evidence used: PM2, BP4).

Literature cited by the submitters: PubMed 40272857 (cited by Genomenon, Inc); PubMed 24233386 (cited by Genomenon, Inc); PubMed 39192370 (cited by Genomenon, Inc); PubMed 23332921 (cited by Genomenon, Inc and Labcorp Genetics (formerly Invitae), Labcorp); PubMed 35921923 (cited by Labcorp Genetics (formerly Invitae), Labcorp).

NM_000361.3(THBD):c.376G>T (p.Asp126Tyr)

Gene: THBD (thrombomodulin; minus strand). Cytogenetic location: 20p11.21.
Variant type: single nucleotide variant.
Coding change: c.376G>T on transcript NM_000361.3 (MANE Select); coding-DNA position 376, G replaced by T.
Protein change: p.Asp126Tyr; replaces aspartic acid 126 with tyrosine.
Molecular consequence: missense variant.
Genome position (GRCh38, 1-based): chr20:23,049,129, C>A on the plus strand (G>T on the coding strand, the complement: THBD is on the minus strand). VCF-style: chr20-23049129-C-A. GRCh37 (hg19) VCF-style: chr20-23029766-C-A.
Other names: short protein forms D126Y.
Identifiers: ClinVar variation 988132 (VCV000988132.3), dbSNP rs768667473, ClinGen allele CA9787743.